The following is an entry in ClinVar:

ClinVar aggregate classification (germline): Uncertain significance (1 of 4 stars; one submission).

Conditions:
RANBP17-related disorder. Also called: RANBP17-related condition.

Submission:

PreventionGenetics, part of Exact Sciences
Classification: Uncertain significance for RANBP17-related condition. Last evaluated: 2025-10-16. Review status: criteria provided, single submitter. Criteria: ACMG Guidelines, 2015. Collection method: clinical testing. Allele origin: germline.
Comment: The RANBP17 c.720dupT variant is predicted to result in premature protein termination (p.Asp241*). To our knowledge, this variant has not been reported in the literature or in a large population database (gnomAD), indicating this variant is rare. At this time, the clinical significance of this variant is uncertain due to the absence of conclusive functional and genetic evidence.

NM_022897.5(RANBP17):c.720dup (p.Asp241Ter)

Gene: RANBP17 (RAN binding protein 17; plus strand). Cytogenetic location: 5q35.1.
Variant type: Duplication.
Coding change: c.720dup on transcript NM_022897.5 (MANE Select); coding-DNA position 720, one base duplicated (T; older notation c.720dupT).
Protein change: p.Asp241Ter; replaces aspartic acid 241 with a stop codon.
Molecular consequence: nonsense.
Genome position (GRCh38, 1-based): chr5:170,911,094, T duplicated. VCF-style (leftmost placement, unchanged base first): chr5-170911093-A-AT. GRCh37 (hg19) VCF-style: chr5-170338097-A-AT.
Other names: short protein forms D241*.
Identifiers: ClinVar variation 4991728 (VCV004991728.1).